The following is an entry in ClinVar:

NM_001903.5(CTNNA1):c.761G>T (p.Gly254Val)

Gene: CTNNA1 (catenin alpha 1; plus strand). Cytogenetic location: 5q31.2.
Variant type: single nucleotide variant.
Coding change: c.761G>T on transcript NM_001903.5 (MANE Select); coding-DNA position 761, G replaced by T.
Protein change: p.Gly254Val; replaces glycine 254 with valine.
Molecular consequence: missense variant.
Genome position (GRCh38, 1-based): chr5:138,824,702, G>T. VCF-style: chr5-138824702-G-T. GRCh37 (hg19) VCF-style: chr5-138160391-G-T.
Other names: c.761G>T (NM_001903.2); c.761G>T, p.Gly254Val (NM_001290307.3, NM_001323982.2, NM_001323983.1 and 3 more transcripts); c.452G>T, p.Gly151Val (NM_001290309.3); c.392G>T, p.Gly131Val (NM_001290310.3); short protein forms G151V, G131V, G254V.
Identifiers: ClinVar variation 1036232 (VCV001036232.9), dbSNP rs1760462669, ClinGen allele CA361129953.
Genomic context (GRCh38, chr5:138,824,702, plus strand): 5'-TCGCAGCCTATAAGGCCAACAGGGACCTGATATACAAGCAGCTGCAGCAGGCGGTCACAG[G>T]CATTTCCAATGCAGCCCAGGCCACTGCCTCAGACGATGCCTCACAGCACCAGGGTGGAGG-3'
Protein context (NP_001894.2, residues 244-264): IYKQLQQAVT[Gly254Val]ISNAAQATAS

ClinVar aggregate classification (germline): Uncertain significance. Review status: criteria provided, multiple submitters, no conflicts (2 of 4 stars). 2 submissions from 2 submitters: Uncertain significance (2). Last evaluated 2024-05-16.

Conditions:
Hereditary cancer-predisposing syndrome. Also called: Neoplastic Syndromes, Hereditary; Hereditary Cancer Syndrome; Tumor predisposition; Hereditary neoplastic syndrome. Identifiers: Orphanet 140162, MedGen C0027672, MeSH D009386, MONDO:0015356.

gnomAD v4.1: 4 of 1,614,224 alleles (0.00025%); highest among the groups gnomAD compares: Non-Finnish European, 0.00034%; no homozygotes.

Submissions (2):

Labcorp Genetics (formerly Invitae), Labcorp
Classification: Uncertain significance. Last evaluated: 2024-05-16. Review status: criteria provided, single submitter. Criteria: Invitae Variant Classification Sherloc (09022015). Collection method: clinical testing. Allele origin: germline.
Comment: This sequence change replaces glycine, which is neutral and non-polar, with valine, which is neutral and non-polar, at codon 254 of the CTNNA1 protein (p.Gly254Val). This variant is not present in population databases (gnomAD no frequency). This variant has not been reported in the literature in individuals affected with CTNNA1-related conditions. ClinVar contains an entry for this variant (Variation ID: 1036232). Advanced modeling of protein sequence and biophysical properties (such as structural, functional, and spatial information, amino acid conservation, physicochemical variation, residue mobility, and thermodynamic stability) performed at Invitae indicates that this missense variant is not expected to disrupt CTNNA1 protein function with a negative predictive value of 80%. In summary, the available evidence is currently insufficient to determine the role of this variant in disease. Therefore, it has been classified as a Variant of Uncertain Significance.

Ambry Genetics
Classification: Uncertain significance for Hereditary cancer-predisposing syndrome. Last evaluated: 2023-12-15. Review status: criteria provided, single submitter. Criteria: Ambry Variant Classification Scheme 2023. Collection method: clinical testing. Allele origin: germline.
Comment: The p.G254V variant (also known as c.761G>T), located in coding exon 5 of the CTNNA1 gene, results from a G to T substitution at nucleotide position 761. The glycine at codon 254 is replaced by valine, an amino acid with dissimilar properties. This amino acid position is conserved. In addition, the in silico prediction for this alteration is inconclusive. Since supporting evidence is limited at this time, the clinical significance of this alteration remains unclear.